The following is an entry in ClinVar:

ClinVar aggregate classification (germline): Uncertain significance (1 of 4 stars; one submission).

Allele frequency attached by ClinVar (database versions not stated): TOPMed below 0.00001; gnomAD 0.00001.
gnomAD v4.1: 1 of 1,612,666 alleles (0.000062%); highest among the groups gnomAD compares: Non-Finnish European, 0.000085%; no homozygotes.

Submission:

Labcorp Genetics (formerly Invitae), Labcorp
Classification: Uncertain significance. Last evaluated: 2022-11-12. Review status: criteria provided, single submitter. Criteria: Invitae Variant Classification Sherloc (09022015). Collection method: clinical testing. Allele origin: germline.
Comment: This sequence change falls in intron 1 of the CRKL gene. It does not directly change the encoded amino acid sequence of the CRKL protein. It affects a nucleotide within the consensus splice site. This variant is not present in population databases (gnomAD no frequency). This variant has not been reported in the literature in individuals affected with CRKL-related conditions. Variants that disrupt the consensus splice site are a relatively common cause of aberrant splicing (PMID: 17576681, 9536098). Algorithms developed to predict the effect of sequence changes on RNA splicing suggest that this variant is not likely to affect RNA splicing. In summary, the available evidence is currently insufficient to determine the role of this variant in disease. Therefore, it has been classified as a Variant of Uncertain Significance.

Literature cited by the submitters: PubMed 17576681; PubMed 9536098.

NM_005207.4(CRKL):c.311+6C>T

Gene: CRKL (CRK like proto-oncogene, adaptor protein; plus strand). Cytogenetic location: 22q11.21.
Variant type: single nucleotide variant.
Coding change: c.311+6C>T on transcript NM_005207.4 (MANE Select); 6 bases into the intron after coding-DNA position 311, C replaced by T.
Molecular consequence: intron variant.
Genome position (GRCh38, 1-based): chr22:20,918,251, C>T. VCF-style: chr22-20918251-C-T. GRCh37 (hg19) VCF-style: chr22-21272539-C-T.
Identifiers: ClinVar variation 2981872 (VCV002981872.3), dbSNP rs1929762783, ClinGen allele CA1024248485.